The following is an entry in ClinVar:

ClinVar aggregate classification (germline): Conflicting classifications of pathogenicity. Review status: criteria provided, conflicting classifications (1 of 4 stars). 4 submissions from 4 submitters: Uncertain significance (3); Likely benign (1). Last evaluated 2026-02-16.

Conditions:
Rubinstein-Taybi syndrome (RSTS). Identifiers: Orphanet 783, MedGen C0035934, MONDO:0019188.
CREBBP-related disorder. Also called: CREBBP-related condition; CREBBP-related disorders.

Allele frequency attached by ClinVar (database versions not stated): ExAC 0.00002; gnomAD exomes 0.00003; ESP Exome Variant Server 0.00008; gnomAD 0.00001; TOPMed 0.00001.
gnomAD v4.1: 39 of 1,614,074 alleles (0.0024%); highest among the groups gnomAD compares: East Asian, 0.0067%; no homozygotes.

Submissions (4):

PreventionGenetics, part of Exact Sciences
Classification: Uncertain significance for CREBBP-related condition. Last evaluated: 2026-02-16. Review status: criteria provided, single submitter. Criteria: ACMG Guidelines, 2015. Collection method: clinical testing. Allele origin: germline.
Comment: The CREBBP c.4252G>A variant is predicted to result in the amino acid substitution p.Gly1418Ser. To our knowledge, this variant has not been reported in the literature. This variant is reported in 0.016% of alleles in individuals of East Asian descent in gnomAD. At this time, the clinical significance of this variant is uncertain due to the absence of conclusive functional and genetic evidence.

Labcorp Genetics (formerly Invitae), Labcorp
Classification: Uncertain significance for Rubinstein-Taybi syndrome. Last evaluated: 2025-03-07. Review status: criteria provided, single submitter. Criteria: Invitae Variant Classification Sherloc (09022015). Collection method: clinical testing. Allele origin: germline.
Comment: This sequence change replaces glycine, which is neutral and non-polar, with serine, which is neutral and polar, at codon 1418 of the CREBBP protein (p.Gly1418Ser). This variant is present in population databases (rs369991761, gnomAD 0.02%). This variant has not been reported in the literature in individuals affected with CREBBP-related conditions. ClinVar contains an entry for this variant (Variation ID: 2166950). Invitae Evidence Modeling of protein sequence and biophysical properties (such as structural, functional, and spatial information, amino acid conservation, physicochemical variation, residue mobility, and thermodynamic stability) indicates that this missense variant is not expected to disrupt CREBBP protein function with a negative predictive value of 95%. In summary, the available evidence is currently insufficient to determine the role of this variant in disease. Therefore, it has been classified as a Variant of Uncertain Significance.

Blueprint Genetics
Classification: Likely benign. Last evaluated: 2024-06-17. Review status: criteria provided, single submitter. Criteria: ACMG Guidelines, 2015. Collection method: clinical testing. Allele origin: germline.

Women's Health and Genetics/Laboratory Corporation of America, LabCorp
Classification: Uncertain significance. Last evaluated: 2024-03-13. Review status: criteria provided, single submitter. Criteria: LabCorp Variant Classification Summary - May 2015. Collection method: clinical testing. Allele origin: germline.
Comment: Variant summary: CREBBP c.4252G>A (p.Gly1418Ser) results in a non-conservative amino acid change located in the CBP/p300-type histone acetyltransferase domain (IPR031162) of the encoded protein sequence. Five of five in-silico tools predict a damaging effect of the variant on protein function. The variant allele was found at a frequency of 3.6e-05 in 251482 control chromosomes. The available data on variant occurrences in the general population are insufficient to allow any conclusion about variant significance. To our knowledge, no occurrence of c.4252G>A in individuals affected with Rubinstein-Taybi Syndrome and no experimental evidence demonstrating its impact on protein function have been reported. ClinVar contains an entry for this variant (Variation ID: 2166950). Based on the evidence outlined above, the variant was classified as uncertain significance.

NM_004380.3(CREBBP):c.4252G>A (p.Gly1418Ser)

Gene: CREBBP (CREB binding lysine acetyltransferase; minus strand). Cytogenetic location: 16p13.3.
Variant type: single nucleotide variant.
Coding change: c.4252G>A on transcript NM_004380.3 (MANE Select); coding-DNA position 4252, G replaced by A.
Protein change: p.Gly1418Ser; replaces glycine 1418 with serine.
Molecular consequence: missense variant.
Genome position (GRCh38, 1-based): chr16:3,739,606, C>T on the plus strand (G>A on the coding strand, the complement: CREBBP is on the minus strand). VCF-style: chr16-3739606-C-T. GRCh37 (hg19) VCF-style: chr16-3789607-C-T.
Other names: c.4252G>A (NM_004380.2); c.4138G>A, p.Gly1380Ser (NM_001079846.1); short protein forms G1380S, G1418S.
Identifiers: ClinVar variation 2166950 (VCV002166950.8), dbSNP rs369991761, ClinGen allele CA7869578.